The following is an entry in ClinVar:

ClinVar aggregate classification (germline): Uncertain significance (1 of 4 stars; one submission).

gnomAD v4.1: 2 of 1,577,086 alleles (0.00013%); highest among the groups gnomAD compares: South Asian, 0.0012%; no homozygotes.

Submission:

Labcorp Genetics (formerly Invitae), Labcorp
Classification: Uncertain significance. Last evaluated: 2022-05-30. Review status: criteria provided, single submitter. Criteria: Invitae Variant Classification Sherloc (09022015). Collection method: clinical testing. Allele origin: germline.
Comment: This sequence change replaces aspartic acid, which is acidic and polar, with tyrosine, which is neutral and polar, at codon 332 of the PNPT1 protein (p.Asp332Tyr). This variant is not present in population databases (gnomAD no frequency). This variant has not been reported in the literature in individuals affected with PNPT1-related conditions. Advanced modeling of protein sequence and biophysical properties (such as structural, functional, and spatial information, amino acid conservation, physicochemical variation, residue mobility, and thermodynamic stability) performed at Invitae indicates that this missense variant is expected to disrupt PNPT1 protein function. In summary, the available evidence is currently insufficient to determine the role of this variant in disease. Therefore, it has been classified as a Variant of Uncertain Significance.

NM_033109.5(PNPT1):c.994G>T (p.Asp332Tyr)

Gene: PNPT1 (polyribonucleotide nucleotidyltransferase 1; minus strand). Cytogenetic location: 2p16.1.
Variant type: single nucleotide variant.
Coding change: c.994G>T on transcript NM_033109.5 (MANE Select); coding-DNA position 994, G replaced by T.
Protein change: p.Asp332Tyr; replaces aspartic acid 332 with tyrosine.
Molecular consequence: missense variant.
Genome position (GRCh38, 1-based): chr2:55,667,941, C>A on the plus strand (G>T on the coding strand, the complement: PNPT1 is on the minus strand). VCF-style: chr2-55667941-C-A. GRCh37 (hg19) VCF-style: chr2-55895076-C-A.
Other names: short protein forms D332Y.
Identifiers: ClinVar variation 1999304 (VCV001999304.1), dbSNP rs749066411, ClinGen allele CA346929487.